The following is an entry in ClinVar:

ClinVar aggregate classification (germline): Uncertain significance (1 of 4 stars; one submission).

Conditions:
Hereditary cancer-predisposing syndrome. Also called: Neoplastic Syndromes, Hereditary; Tumor predisposition; Hereditary neoplastic syndrome; Hereditary Cancer Syndrome. Identifiers: Orphanet 140162, MedGen C0027672, MeSH D009386, MONDO:0015356.

gnomAD v4.1: 3 of 1,614,090 alleles (0.00019%); highest among the groups gnomAD compares: South Asian, 0.0011%; no homozygotes.

Submission:

Ambry Genetics
Classification: Uncertain significance for Hereditary cancer-predisposing syndrome. Last evaluated: 2023-03-11. Review status: criteria provided, single submitter. Criteria: Ambry Variant Classification Scheme 2023. Collection method: clinical testing. Allele origin: germline.
Comment: The p.A1087T variant (also known as c.3259G>A), located in coding exon 19 of the DICER1 gene, results from a G to A substitution at nucleotide position 3259. The alanine at codon 1087 is replaced by threonine, an amino acid with similar properties. This amino acid position is conserved. In addition, this alteration is predicted to be tolerated by in silico analysis. Since supporting evidence is limited at this time, the clinical significance of this alteration remains unclear.

NM_177438.3(DICER1):c.3259G>A (p.Ala1087Thr)

Gene: DICER1 (dicer 1, ribonuclease III; minus strand). Cytogenetic location: 14q32.13.
Variant type: single nucleotide variant.
Coding change: c.3259G>A on transcript NM_177438.3 (MANE Select); coding-DNA position 3259, G replaced by A.
Protein change: p.Ala1087Thr; replaces alanine 1087 with threonine.
Molecular consequence: missense variant. On other transcripts: non-coding transcript variant (6).
Genome position (GRCh38, 1-based): chr14:95,105,081, C>T on the plus strand (G>A on the coding strand, the complement: DICER1 is on the minus strand). VCF-style: chr14-95105081-C-T. GRCh37 (hg19) VCF-style: chr14-95571418-C-T.
Other names: c.3259G>A, p.Ala1087Thr (NM_001195573.1, NM_001271282.3, NM_001291628.2 and 13 more transcripts); c.2977G>A, p.Ala993Thr (NM_001395686.1); c.2854G>A, p.Ala952Thr (NM_001395687.1, NM_001395688.1, NM_001395689.1 and 2 more transcripts); c.2692G>A, p.Ala898Thr (NM_001395691.1); c.1576G>A, p.Ala526Thr (NM_001395697.1); short protein forms A952T, A1087T, A898T, A993T, A526T.
Identifiers: ClinVar variation 2451742 (VCV002451742.2), dbSNP rs1891290739, ClinGen allele CA390876274.